The following is an entry in ClinVar:

ClinVar aggregate classification (germline): Uncertain significance (1 of 4 stars; one submission).

Conditions:
Congenital myasthenic syndrome 8. Also called: MYASTHENIC SYNDROME, CONGENITAL, DUE TO AGRIN DEFICIENCY; Myasthenic syndrome, congenital, 8, with pre- and postsynaptic defects. Identifiers: Orphanet 590, MedGen C3808739, MONDO:0014052, OMIM 615120.

Allele frequency attached by ClinVar (database versions not stated): TOPMed 0.00001.

Submission:

Labcorp Genetics (formerly Invitae), Labcorp
Classification: Uncertain significance for Congenital myasthenic syndrome 8. Last evaluated: 2022-08-22. Review status: criteria provided, single submitter. Criteria: Invitae Variant Classification Sherloc (09022015). Collection method: clinical testing. Allele origin: germline.
Comment: This sequence change replaces proline, which is neutral and non-polar, with serine, which is neutral and polar, at codon 1973 of the AGRN protein (p.Pro1973Ser). This variant is not present in population databases (gnomAD no frequency). This variant has not been reported in the literature in individuals affected with AGRN-related conditions. Algorithms developed to predict the effect of missense changes on protein structure and function are either unavailable or do not agree on the potential impact of this missense change (SIFT: "Deleterious"; PolyPhen-2: "Possibly Damaging"; Align-GVGD: "Class C0"). In summary, the available evidence is currently insufficient to determine the role of this variant in disease. Therefore, it has been classified as a Variant of Uncertain Significance.

NM_198576.4(AGRN):c.5917C>T (p.Pro1973Ser)

Gene: AGRN (agrin; plus strand). Cytogenetic location: 1p36.33.
Variant type: single nucleotide variant.
Coding change: c.5917C>T on transcript NM_198576.4 (MANE Select); coding-DNA position 5917, C replaced by T.
Protein change: p.Pro1973Ser; replaces proline 1973 with serine.
Molecular consequence: missense variant.
Genome position (GRCh38, 1-based): chr1:1,054,488, C>T. VCF-style: chr1-1054488-C-T. GRCh37 (hg19) VCF-style: chr1-989868-C-T.
Other names: c.5986C>T, p.Pro1996Ser (NM_001305275.2); c.5614C>T, p.Pro1872Ser (NM_001364727.2); short protein forms P1973S, P1996S, P1872S.
Identifiers: ClinVar variation 1969078 (VCV001969078.2), dbSNP rs1645398234, ClinGen allele CA337785670.